The following is an entry in ClinVar:

ClinVar aggregate classification (germline): Uncertain significance (1 of 4 stars; one submission).

Conditions:
Hereditary cancer-predisposing syndrome. Also called: Neoplastic Syndromes, Hereditary; Tumor predisposition; Hereditary Cancer Syndrome; Hereditary neoplastic syndrome. Identifiers: Orphanet 140162, MedGen C0027672, MeSH D009386, MONDO:0015356.

Submission:

Ambry Genetics
Classification: Uncertain significance for Hereditary cancer-predisposing syndrome. Last evaluated: 2025-09-02. Review status: criteria provided, single submitter. Criteria: Ambry Variant Classification Scheme 2023. Collection method: clinical testing. Allele origin: germline.
Comment: The p.S685P variant (also known as c.2053T>C), located in coding exon 15 of the TSC1 gene, results from a T to C substitution at nucleotide position 2053. The serine at codon 685 is replaced by proline, an amino acid with similar properties. This amino acid position is conserved. In addition, this alteration is predicted to be tolerated by in silico analysis. Based on the available evidence, the clinical significance of this variant remains unclear.

NM_000368.5(TSC1):c.2053T>C (p.Ser685Pro)

Gene: TSC1 (TSC complex subunit 1; minus strand). Cytogenetic location: 9q34.13.
Variant type: single nucleotide variant.
Coding change: c.2053T>C on transcript NM_000368.5 (MANE Select); coding-DNA position 2053, T replaced by C.
Protein change: p.Ser685Pro; replaces serine 685 with proline.
Molecular consequence: missense variant. On other transcripts: non-coding transcript variant (4), intron variant (4).
Genome position (GRCh38, 1-based): chr9:132,903,806, A>G on the plus strand (T>C on the coding strand, the complement: TSC1 is on the minus strand). VCF-style: chr9-132903806-A-G. GRCh37 (hg19) VCF-style: chr9-135779193-A-G.
Other names: c.2050T>C, p.Ser684Pro (NM_001162426.2, NM_001406597.1, NM_001406598.1 and 4 more transcripts); c.1900T>C, p.Ser634Pro (NM_001162427.2, NM_001406610.1); c.1690T>C, p.Ser564Pro (NM_001362177.2, NM_001406614.1, NM_001406615.1 and 5 more transcripts); c.2053T>C, p.Ser685Pro (NM_001406592.1, NM_001406593.1, NM_001406594.1 and 5 more transcripts); c.1897T>C, p.Ser633Pro (NM_001406611.1, NM_001406612.1, NM_001406613.1); c.1000T>C, p.Ser334Pro (NM_001406630.1, NM_001406629.1); c.2039-4T>C (NM_001406603.1, NM_001406604.1); c.2042-4T>C (NM_001406602.1, NM_001406601.1); and 3 more; short protein forms S633P, S634P, S367P, S564P, S685P, S334P, S368P, S563P.
Identifiers: ClinVar variation 4192049 (VCV004192049.1).